The following is an entry in ClinVar:

NM_014425.5(INVS):c.464G>A (p.Trp155Ter)

Gene: INVS (inversin; plus strand). Cytogenetic location: 9q31.1.
Variant type: single nucleotide variant.
Coding change: c.464G>A on transcript NM_014425.5 (MANE Select); coding-DNA position 464, G replaced by A.
Protein change: p.Trp155Ter; replaces tryptophan 155 with a stop codon.
Molecular consequence: nonsense. On other transcripts: 5 prime UTR variant (1), non-coding transcript variant (1).
Genome position (GRCh38, 1-based): chr9:100,229,676, G>A. VCF-style: chr9-100229676-G-A. GRCh37 (hg19) VCF-style: chr9-102991958-G-A.
Other names: c.176G>A, p.Trp59Ter (NM_001318381.2); c.-526G>A (NM_001318382.2); short protein forms W59*, W155*.
Identifiers: ClinVar variation 967244 (VCV000967244.10), dbSNP rs1007394906, ClinGen allele CA197185322.

ClinVar aggregate classification (germline): Pathogenic/Likely pathogenic. Review status: criteria provided, multiple submitters, no conflicts (2 of 4 stars). 3 submissions from 3 submitters: Pathogenic (1); Likely pathogenic (1). 1 of the submissions does not count toward it. Last evaluated 2023-11-24.

Conditions:
INVS-related disorders.
Nephronophthisis. Also called: Juvenile Nephronophthisis. Identifiers: Orphanet 655, MedGen C0687120, MONDO:0019005, HP:0000090.

Allele frequency attached by ClinVar (database versions not stated): gnomAD exomes below 0.00001 and 0.00001; gnomAD 0.00001; TOPMed 0.00002.
gnomAD v4.1: 14 of 1,613,902 alleles (0.00087%); highest among the groups gnomAD compares: Non-Finnish European, 0.0011%; no homozygotes.

Submissions (3):

Labcorp Genetics (formerly Invitae), Labcorp
Classification: Pathogenic for Nephronophthisis. Last evaluated: 2023-11-24. Review status: criteria provided, single submitter. Criteria: Invitae Variant Classification Sherloc (09022015). Collection method: clinical testing. Allele origin: germline.
Comment: This sequence change creates a premature translational stop signal (p.Trp155*) in the INVS gene. It is expected to result in an absent or disrupted protein product. Loss-of-function variants in INVS are known to be pathogenic (PMID: 12872123). This variant is present in population databases (no rsID available, gnomAD 0.0009%). This variant has not been reported in the literature in individuals affected with INVS-related conditions. ClinVar contains an entry for this variant (Variation ID: 967244). Algorithms developed to predict the effect of sequence changes on RNA splicing suggest that this variant may disrupt the consensus splice site. For these reasons, this variant has been classified as Pathogenic.

Blueprint Genetics
Classification: Likely pathogenic for INVS-related disorders. Last evaluated: 2018-06-18. Review status: criteria provided, single submitter. Criteria: ACMG Guidelines, 2015. Collection method: clinical testing. Allele origin: germline. Affected: yes. Observed: 1 variant allele.

Sydney Genome Diagnostics, Children's Hospital Westmead
Classification: Pathogenic for Nephronophthisis. Last evaluated: 2018-11-09. Review status: no assertion criteria provided. Collection method: clinical testing. Allele origin: unknown. Affected: yes. Observed: 1 variant allele, 1 compound heterozygote. Not counted in ClinVar's aggregate classification.
Comment: This variant creates a premature stop codon p.(Trp155*) and may result in a null allele due to nonsense-mediated mRNA decay. This variant has been reported in the gnomAD browser with a very low allele frequency of 0.0004% (1 out of 246,122 alleles). To our knowledge, this variant has not been previously reported in the literature or any disease specific databases. However, a variant causing the same amino acid change, c.465G>A p.(Trp155*), has been reported in a patient with nephronophthisis by Halbritter et al 2013 Hum Genet 132:865-884. This variant is considered to be pathogenic according to the ACMG guidelines. (Evidence: PVS1, PS1, PM2).

Literature cited by the submitters: PubMed 12872123 (cited by Labcorp Genetics (formerly Invitae), Labcorp).